The following is an entry in ClinVar:

ClinVar aggregate classification (germline): Uncertain significance. Review status: criteria provided, multiple submitters, no conflicts (2 of 4 stars). 8 submissions from 8 submitters: Uncertain significance (8). Last evaluated 2026-01-28.

Conditions:
PMS2-related disorder. Also called: PMS2-related condition.
Hereditary nonpolyposis colorectal neoplasms. Identifiers: MedGen C0009405, MeSH D003123.
Hereditary cancer-predisposing syndrome. Also called: Tumor predisposition; Hereditary neoplastic syndrome; Neoplastic Syndromes, Hereditary; Hereditary Cancer Syndrome. Identifiers: Orphanet 140162, MedGen C0027672, MeSH D009386, MONDO:0015356.
Breast and/or ovarian cancer. Identifiers: MedGen CN221562.
Lynch syndrome 4 (LYNCH4). Also called: Hereditary non-polyposis colorectal cancer, type 4; Colorectal cancer, hereditary nonpolyposis, type 4. Identifiers: Orphanet 144, MedGen C1838333, MONDO:0013699, OMIM 614337. Disease mechanism: loss of function.

Allele frequency attached by ClinVar (database versions not stated): ExAC 0.00001; TOPMed 0.00001; gnomAD 0.00003.
gnomAD v4.1: 17 of 1,610,490 alleles (0.0011%); highest among the groups gnomAD compares: East Asian, 0.0045%; no homozygotes.

Submissions (8):

PreventionGenetics, part of Exact Sciences
Classification: Uncertain significance for PMS2-related condition. Last evaluated: 2026-01-28. Review status: criteria provided, single submitter. Criteria: ACMG Guidelines, 2015. Collection method: clinical testing. Allele origin: germline.
Comment: The PMS2 c.355G>A variant is predicted to result in the amino acid substitution p.Asp119Asn. This variant was reported in one control but not in affected individuals in a large breast cancer case-control study (described as chr7_6042266_C_T in Supplementary Data, Breast Cancer Association et al. 2021. PubMed ID: 33471991). This variant is reported in 0.0040% of alleles in individuals of African descent in gnomAD and is interpreted as uncertain significance in ClinVar (Variation ID: 455716). At this time, the clinical significance of this variant is uncertain due to the absence of conclusive functional and genetic evidence.

Labcorp Genetics (formerly Invitae), Labcorp
Classification: Uncertain significance for Hereditary nonpolyposis colorectal neoplasms. Last evaluated: 2026-01-26. Review status: criteria provided, single submitter. Criteria: Invitae Variant Classification Sherloc (09022015). Collection method: clinical testing. Allele origin: germline.
Comment: This sequence change replaces aspartic acid, which is acidic and polar, with asparagine, which is neutral and polar, at codon 119 of the PMS2 protein (p.Asp119Asn). This variant is present in population databases (rs587781913, gnomAD 0.004%). This variant has not been reported in the literature in individuals affected with PMS2-related conditions. ClinVar contains an entry for this variant (Variation ID: 455716). Invitae Evidence Modeling incorporating data from in vitro experimental studies (internal data) indicates that this missense variant is not expected to disrupt PMS2 function with a negative predictive value of 95%. In summary, the available evidence is currently insufficient to determine the role of this variant in disease. Therefore, it has been classified as a Variant of Uncertain Significance.

Ambry Genetics
Classification: Uncertain significance for Hereditary cancer-predisposing syndrome. Last evaluated: 2025-10-08. Review status: criteria provided, single submitter. Criteria: Ambry Variant Classification Scheme 2023. Collection method: clinical testing. Allele origin: germline.
Comment: The p.D119N variant (also known as c.355G>A), located in coding exon 5 of the PMS2 gene, results from a G to A substitution at nucleotide position 355. The aspartic acid at codon 119 is replaced by asparagine, an amino acid with highly similar properties. This variant was reported in 0/60,466 breast cancer cases and in 1/53,461 controls (Dorling et al. N Engl J Med. 2021 02;384:428-439). This amino acid position is well conserved in available vertebrate species. In addition, this alteration is predicted to be tolerated by in silico analysis. Since supporting evidence is limited at this time, the clinical significance of this alteration remains unclear.

Baylor Genetics
Classification: Uncertain significance for Lynch syndrome 4. Last evaluated: 2023-09-18. Review status: criteria provided, single submitter. Criteria: ACMG Guidelines, 2015. Collection method: clinical testing. Allele origin: unknown.

Color Diagnostics, LLC DBA Color Health
Classification: Uncertain significance for Hereditary cancer-predisposing syndrome. Last evaluated: 2023-05-04. Review status: criteria provided, single submitter. Criteria: ACMG Guidelines, 2015. Collection method: clinical testing. Allele origin: germline.
Comment: This missense variant replaces aspartic acid with asparagine at codon 119 of the PMS2 protein. Computational prediction suggests that this variant may not impact protein structure and function (internally defined REVEL score threshold <= 0.5, PMID: 27666373). To our knowledge, functional studies have not been reported for this variant. This variant has not been reported in individuals affected with PMS2-related disorders in the literature. This variant has been identified in 2/282534 chromosomes in the general population by the Genome Aggregation Database (gnomAD). The available evidence is insufficient to determine the role of this variant in disease conclusively. Therefore, this variant is classified as a Variant of Uncertain Significance.

CHEO Genetics Diagnostic Laboratory, Children's Hospital of Eastern Ontario
Classification: Uncertain significance for Breast and/or ovarian cancer. Last evaluated: 2022-05-26. Review status: criteria provided, single submitter. Criteria: ACMG Guidelines, 2015. Collection method: clinical testing. Allele origin: germline.

GeneDx
Classification: Uncertain significance. Last evaluated: 2019-10-15. Review status: criteria provided, single submitter. Criteria: GeneDx Variant Classification Process June 2021. Collection method: clinical testing. Allele origin: germline. Affected: yes.
Comment: Not observed at a significant frequency in large population cohorts (Lek 2016); In silico analysis, which includes protein predictors and evolutionary conservation, supports a deleterious effect; Has not been previously published as pathogenic or benign to our knowledge

Women's Health and Genetics/Laboratory Corporation of America, LabCorp
Classification: Uncertain significance. Last evaluated: 2019-09-20. Review status: criteria provided, single submitter. Criteria: LabCorp Variant Classification Summary - May 2015. Collection method: clinical testing. Allele origin: germline.
Comment: Variant summary: PMS2 c.355G>A (p.Asp119Asn) results in a conservative amino acid change located in the DNA mismatch repair protein family, N-terminal domain (IPR002099) of the encoded protein sequence. Three of five in-silico tools predict a benign effect of the variant on protein function. In addition, the variant is located close to a canonical splice site and therefore could affect mRNA splicing: 5/5 computational tools predict no significant impact on normal splicing. However, these predictions have yet to be confirmed by functional studies. The variant allele was found at a frequency of 4e-06 in 251140 control chromosomes (gnomAD). This observation needs to be cautiously considered due to the possibility of the PMS2 pseudogene being captured. The available data on variant occurrences in the general population are insufficient to allow any conclusion about variant significance. To our knowledge, no occurrence of c.355G>A in individuals affected with Lynch Syndrome and no experimental evidence demonstrating its impact on protein function have been reported. Two other clinical diagnostic laboratories have submitted clinical-significance assessments for this variant to ClinVar after 2014, and both of them classified the variant as uncertain significance. Based on the evidence outlined above, the variant was classified as uncertain significance.

Literature cited by the submitters: PubMed 33471991 (cited by Ambry Genetics).

NM_000535.7(PMS2):c.355G>A (p.Asp119Asn)

Gene: PMS2 (PMS1 homolog 2, mismatch repair system component; minus strand). Cytogenetic location: 7p22.1.
Variant type: single nucleotide variant.
Coding change: c.355G>A on transcript NM_000535.7 (MANE Select); coding-DNA position 355, G replaced by A.
Protein change: p.Asp119Asn; replaces aspartic acid 119 with asparagine.
Molecular consequence: missense variant. On other transcripts: 5 prime UTR variant (8), non-coding transcript variant (1).
Genome position (GRCh38, 1-based): chr7:6,002,635, C>T on the plus strand (G>A on the coding strand, the complement: PMS2 is on the minus strand). VCF-style: chr7-6002635-C-T. GRCh37 (hg19) VCF-style: chr7-6042266-C-T.
Other names: c.-51G>A (NM_001322013.2, NM_001322003.2, NM_001322004.2 and 3 more transcripts); c.355G>A, p.Asp119Asn (NM_001322014.2, NM_001322006.2); c.46G>A, p.Asp16Asn (NM_001322015.2); c.37G>A, p.Asp13Asn (NM_001322007.2, NM_001322008.2); c.-530G>A (NM_001322011.2, NM_001322012.2); short protein forms D119N, D13N, D16N.
Identifiers: ClinVar variation 455716 (VCV000455716.32), dbSNP rs587781913, ClinGen allele CA049554.
Genomic context (GRCh38, chr7:6,002,635, plus strand): 5'-GATCAAACATCAGTCGAGTTCCAACCTTCGCCGATGCGTGGCAGGTAGAAATGGTGACAT[C>T]GCTGTGAGAGAATACCAGGCATGGTGTGTTCAGTGAGAGACCCATGATGTTGGGCACTGA-3'
Protein context (NP_000526.2, residues 109-129): EALSSLCALS[Asp119Asn]VTISTCHASA